The following is an entry in ClinVar:

NM_003151.4(STAT4):c.1159A>G (p.Ile387Val)

Gene: STAT4 (signal transducer and activator of transcription 4; minus strand). Cytogenetic location: 2q32.2.
Variant type: single nucleotide variant.
Coding change: c.1159A>G on transcript NM_003151.4 (MANE Select); coding-DNA position 1159, A replaced by G.
Protein change: p.Ile387Val; replaces isoleucine 387 with valine.
Molecular consequence: missense variant.
Genome position (GRCh38, 1-based): chr2:191,058,065, T>C on the plus strand (A>G on the coding strand, the complement: STAT4 is on the minus strand). VCF-style: chr2-191058065-T-C. GRCh37 (hg19) VCF-style: chr2-191922791-T-C.
Other names: c.1159A>G, p.Ile387Val (NM_001243835.2); c.1159A>G (NM_003151.3); short protein forms I387V.
Identifiers: ClinVar variation 1465468 (VCV001465468.10), dbSNP rs368876096, ClinGen allele CA2030664.

ClinVar aggregate classification (germline): Uncertain significance. Review status: criteria provided, multiple submitters, no conflicts (2 of 4 stars). 2 submissions from 2 submitters: Uncertain significance (2). Last evaluated 2025-03-03.

Allele frequency attached by ClinVar (database versions not stated): gnomAD exomes below 0.00001 and 0.00002; gnomAD 0.00001; ExAC 0.00002.
gnomAD v4.1: 8 of 1,614,092 alleles (0.0005%); highest among the groups gnomAD compares: East Asian, 0.0045%; no homozygotes.

Submissions (2):

Ambry Genetics
Classification: Uncertain significance. Last evaluated: 2025-03-03. Review status: criteria provided, single submitter. Criteria: Ambry Variant Classification Scheme 2023. Collection method: clinical testing. Allele origin: germline.

Labcorp Genetics (formerly Invitae), Labcorp
Classification: Uncertain significance. Last evaluated: 2025-02-20. Review status: criteria provided, single submitter. Criteria: Invitae Variant Classification Sherloc (09022015). Collection method: clinical testing. Allele origin: germline.
Comment: This sequence change replaces isoleucine, which is neutral and non-polar, with valine, which is neutral and non-polar, at codon 387 of the STAT4 protein (p.Ile387Val). This variant is present in population databases (rs368876096, gnomAD 0.01%). This variant has not been reported in the literature in individuals affected with STAT4-related conditions. ClinVar contains an entry for this variant (Variation ID: 1465468). Invitae Evidence Modeling of protein sequence and biophysical properties (such as structural, functional, and spatial information, amino acid conservation, physicochemical variation, residue mobility, and thermodynamic stability) indicates that this missense variant is not expected to disrupt STAT4 protein function with a negative predictive value of 80%. In summary, the available evidence is currently insufficient to determine the role of this variant in disease. Therefore, it has been classified as a Variant of Uncertain Significance.